The following is an entry in ClinVar:

ClinVar aggregate classification (germline): Likely pathogenic (1 of 4 stars; one submission).

Submission:

GeneDx
Classification: Likely pathogenic. Last evaluated: 2021-02-01. Review status: criteria provided, single submitter. Criteria: GeneDx Variant Classification Process June 2021. Collection method: clinical testing. Allele origin: germline. Affected: yes.
Comment: Nonsense variant predicted to result in protein truncation, although loss-of-function variants have not been reported downstream of this position in the protein; Not observed in large population cohorts (Lek et al., 2016); Has not been previously published as pathogenic or benign to our knowledge

NM_000612.6(IGF2):c.490C>T (p.Gln164Ter)

Genes: IGF2 (insulin like growth factor 2; minus strand), INS-IGF2 (INS-IGF2 readthrough; minus strand). Cytogenetic location: 11p15.5.
Variant type: single nucleotide variant.
Coding change: c.490C>T on transcript NM_000612.6 (MANE Select); coding-DNA position 490, C replaced by T.
Protein change: p.Gln164Ter; replaces glutamine 164 with a stop codon.
Molecular consequence: nonsense. On other transcripts: non-coding transcript variant (1).
Genome position (GRCh38, 1-based): chr11:2,133,040, G>A on the plus strand (C>T on the coding strand, the complement: IGF2 is on the minus strand). VCF-style: chr11-2133040-G-A. GRCh37 (hg19) VCF-style: chr11-2154270-G-A.
Other names: c.658C>T, p.Gln220Ter (NM_001127598.3); c.490C>T, p.Gln164Ter (NM_001291861.3, NM_001291862.3, NM_001007139.6); short protein forms Q164*, Q220*.
Identifiers: ClinVar variation 1196226 (VCV001196226.2), dbSNP rs2133582387, ClinGen allele CA379113040.